The following is an entry in ClinVar:

ClinVar aggregate classification (germline): Uncertain significance. Review status: criteria provided, multiple submitters, no conflicts (2 of 4 stars). 4 submissions from 4 submitters: Uncertain significance (4). Last evaluated 2026-07-01.

gnomAD v4.1: 162 of 1,613,964 alleles (0.01%); highest among the groups gnomAD compares: Non-Finnish European, 0.013%; no homozygotes.

Submissions (4):

CeGaT Center for Human Genetics Tuebingen
Classification: Uncertain significance. Last evaluated: 2026-07-01. Review status: criteria provided, single submitter. Criteria: CeGaT Center For Human Genetics Tuebingen Variant Classification Criteria Version 2. Collection method: clinical testing. Allele origin: germline. Affected: yes. Observed: 1 variant allele.
Comment: LAMB1: PM2

Labcorp Genetics (formerly Invitae), Labcorp
Classification: Uncertain significance. Last evaluated: 2025-05-19. Review status: criteria provided, single submitter. Criteria: Invitae Variant Classification Sherloc (09022015). Collection method: clinical testing. Allele origin: germline.
Comment: This sequence change replaces arginine, which is basic and polar, with glycine, which is neutral and non-polar, at codon 642 of the LAMB1 protein (p.Arg642Gly). This variant is present in population databases (rs140678479, gnomAD 0.006%). This variant has not been reported in the literature in individuals affected with LAMB1-related conditions. ClinVar contains an entry for this variant (Variation ID: 3340924). An algorithm developed to predict the effect of missense changes on protein structure and function (PolyPhen-2) suggests that this variant is likely to be disruptive. In summary, the available evidence is currently insufficient to determine the role of this variant in disease. Therefore, it has been classified as a Variant of Uncertain Significance.

Blueprint Genetics
Classification: Uncertain significance. Last evaluated: 2024-09-10. Review status: criteria provided, single submitter. Criteria: ACMG Guidelines, 2015. Collection method: clinical testing. Allele origin: germline.

GeneDx
Classification: Uncertain significance. Last evaluated: 2024-01-16. Review status: criteria provided, single submitter. Criteria: GeneDx Variant Classification Process June 2021. Collection method: clinical testing. Allele origin: germline. Affected: yes.
Comment: Not observed at significant frequency in large population cohorts (gnomAD); In silico analysis supports that this missense variant has a deleterious effect on protein structure/function; Has not been previously published as pathogenic or benign to our knowledge; This variant is associated with the following publications: (PMID: 23472759)

NM_002291.3(LAMB1):c.1924C>G (p.Arg642Gly)

Gene: LAMB1 (laminin subunit beta 1; minus strand). Cytogenetic location: 7q31.1.
Variant type: single nucleotide variant.
Coding change: c.1924C>G on transcript NM_002291.3 (MANE Select); coding-DNA position 1924, C replaced by G.
Protein change: p.Arg642Gly; replaces arginine 642 with glycine.
Molecular consequence: missense variant.
Genome position (GRCh38, 1-based): chr7:107,961,610, G>C on the plus strand (C>G on the coding strand, the complement: LAMB1 is on the minus strand). VCF-style: chr7-107961610-G-C. GRCh37 (hg19) VCF-style: chr7-107602055-G-C.
Other names: short protein forms R642G.
Identifiers: ClinVar variation 3340924 (VCV003340924.5).